The following is an entry in ClinVar:

ClinVar aggregate classification (germline): Uncertain significance (1 of 4 stars; one submission).

Conditions:
PHF8-related disorder. Also called: PHF8-related condition.

Submission:

PreventionGenetics, part of Exact Sciences
Classification: Uncertain significance for PHF8-related condition. Last evaluated: 2023-02-24. Review status: criteria provided, single submitter. Criteria: ACMG Guidelines, 2015. Collection method: clinical testing. Allele origin: germline.
Comment: The PHF8 c.2140G>T variant is predicted to result in the amino acid substitution p.Ala714Ser. To our knowledge, this variant has not been reported in the literature or in a large population database, indicating this variant is rare. At this time, the clinical significance of this variant is uncertain due to the absence of conclusive functional and genetic evidence.

NM_015107.3(PHF8):c.2140G>T (p.Ala714Ser)

Gene: PHF8 (PHD finger protein 8; minus strand). Cytogenetic location: Xp11.22.
Variant type: single nucleotide variant.
Coding change: c.2140G>T on transcript NM_015107.3 (MANE Select); coding-DNA position 2140, G replaced by T.
Protein change: p.Ala714Ser; replaces alanine 714 with serine.
Molecular consequence: missense variant.
Genome position (GRCh38, 1-based): chrX:53,985,217, C>A on the plus strand (G>T on the coding strand, the complement: PHF8 is on the minus strand). VCF-style: chrX-53985217-C-A. GRCh37 (hg19) VCF-style: chrX-54011650-C-A.
Other names: c.2248G>T, p.Ala750Ser (NM_001184896.1); c.1837G>T, p.Ala613Ser (NM_001184897.2); c.2089G>T, p.Ala697Ser (NM_001184898.2); short protein forms A613S, A697S, A714S, A750S.
Identifiers: ClinVar variation 2630649 (VCV002630649.1), dbSNP rs2519516946, ClinGen allele CA413253432.